The following is an entry in ClinVar:

NM_001243925.2(MAPKAPK3):c.152G>A (p.Gly51Asp)

Gene: MAPKAPK3 (MAPK activated protein kinase 3; plus strand). Cytogenetic location: 3p21.2.
Variant type: single nucleotide variant.
Coding change: c.152G>A on transcript NM_001243925.2 (MANE Select); coding-DNA position 152, G replaced by A.
Protein change: p.Gly51Asp; replaces glycine 51 with aspartic acid.
Molecular consequence: missense variant.
Genome position (GRCh38, 1-based): chr3:50,617,717, G>A. VCF-style: chr3-50617717-G-A. GRCh37 (hg19) VCF-style: chr3-50655148-G-A.
Other names: c.152G>A, p.Gly51Asp (NM_001243926.2, NM_004635.5); short protein forms G51D.
Identifiers: ClinVar variation 2000768 (VCV002000768.4), dbSNP rs1485734849, ClinGen allele CA352961578.

ClinVar aggregate classification (germline): Uncertain significance (1 of 4 stars; one submission).

Allele frequency attached by ClinVar (database versions not stated): gnomAD 0.00001; gnomAD exomes 0.00001.
gnomAD v4.1: 5 of 1,613,596 alleles (0.00031%); highest among the groups gnomAD compares: Admixed American, 0.0033%; no homozygotes.

Submission:

Labcorp Genetics (formerly Invitae), Labcorp
Classification: Uncertain significance. Last evaluated: 2022-05-29. Review status: criteria provided, single submitter. Criteria: Invitae Variant Classification Sherloc (09022015). Collection method: clinical testing. Allele origin: germline.
Comment: This sequence change replaces glycine, which is neutral and non-polar, with aspartic acid, which is acidic and polar, at codon 51 of the MAPKAPK3 protein (p.Gly51Asp). This variant is present in population databases (no rsID available, gnomAD 0.003%). This variant has not been reported in the literature in individuals affected with MAPKAPK3-related conditions. Algorithms developed to predict the effect of missense changes on protein structure and function (SIFT, PolyPhen-2, Align-GVGD) all suggest that this variant is likely to be disruptive. In summary, the available evidence is currently insufficient to determine the role of this variant in disease. Therefore, it has been classified as a Variant of Uncertain Significance.